The following is an entry in ClinVar:

NM_001378964.1(CDON):c.2065C>T (p.Pro689Ser)

Gene: CDON (cell adhesion associated, oncogene regulated; minus strand). Cytogenetic location: 11q24.2.
Variant type: single nucleotide variant.
Coding change: c.2065C>T on transcript NM_001378964.1 (MANE Select); coding-DNA position 2065, C replaced by T.
Protein change: p.Pro689Ser; replaces proline 689 with serine.
Molecular consequence: missense variant.
Genome position (GRCh38, 1-based): chr11:126,001,812, G>A on the plus strand (C>T on the coding strand, the complement: CDON is on the minus strand). VCF-style: chr11-126001812-G-A. GRCh37 (hg19) VCF-style: chr11-125871707-G-A.
Other names: c.2065C>T, p.Pro689Ser (NM_001243597.3, NM_016952.6); short protein forms P689S.
Identifiers: ClinVar variation 3343543 (VCV003343543.1).

ClinVar aggregate classification (germline): Uncertain significance (1 of 4 stars; one submission).

gnomAD v4.1: 3 of 1,610,706 alleles (0.00019%); highest among the groups gnomAD compares: African/African-American, 0.004%; no homozygotes.

Submission:

GeneDx
Classification: Uncertain significance. Last evaluated: 2023-05-14. Review status: criteria provided, single submitter. Criteria: GeneDx Variant Classification Process June 2021. Collection method: clinical testing. Allele origin: germline. Affected: yes.
Comment: Not observed at significant frequency in large population cohorts (gnomAD); In silico analysis supports that this missense variant has a deleterious effect on protein structure/function; Has not been previously published as pathogenic or benign to our knowledge